The following is an entry in ClinVar:

NM_017617.5(NOTCH1):c.5471G>A (p.Arg1824Gln)

Gene: NOTCH1 (notch receptor 1; minus strand). Cytogenetic location: 9q34.3.
Variant type: single nucleotide variant.
Coding change: c.5471G>A on transcript NM_017617.5 (MANE Select); coding-DNA position 5471, G replaced by A.
Protein change: p.Arg1824Gln; replaces arginine 1824 with glutamine.
Molecular consequence: missense variant.
Genome position (GRCh38, 1-based): chr9:136,502,002, C>T on the plus strand (G>A on the coding strand, the complement: NOTCH1 is on the minus strand). VCF-style: chr9-136502002-C-T. GRCh37 (hg19) VCF-style: chr9-139396454-C-T.
Other names: c.5471G>A, p.Arg1824Gln (LRG_1122t1); short protein forms R1824Q.
Identifiers: ClinVar variation 241149 (VCV000241149.10), dbSNP rs765309913, ClinGen allele CA5340262.
Genomic context (GRCh38, chr9:136,502,002, plus strand): 5'-CAGGGCAGCCCGGCAGCAGGTGCCCGGGAGCCCAGGAGCCCGGGAGCCTCGCGACTCACC[C>T]GGAACTTCTTGGTCTCCAGGTCCTCGTCCCCCCACTCATTCTGGTTGTCGTCCATGAGGG-3'
Protein context (NP_060087.3, residues 1814-1834): GDEDLETKKF[Arg1824Gln]FEEPVVLPDL

ClinVar aggregate classification (germline): Uncertain significance (1 of 4 stars; one submission).

Conditions:
Adams-Oliver syndrome 5 (AOS5). Identifiers: Orphanet 974, MedGen C4014970, MONDO:0014459, OMIM 616028.

Allele frequency attached by ClinVar (database versions not stated): TOPMed 0.00001; gnomAD exomes 0.00002; ExAC 0.00001.
gnomAD v4.1: 15 of 1,613,028 alleles (0.00093%); highest among the groups gnomAD compares: Admixed American, 0.01%; no homozygotes.

Submission:

Labcorp Genetics (formerly Invitae), Labcorp
Classification: Uncertain significance for Adams-Oliver syndrome 5. Last evaluated: 2024-08-23. Review status: criteria provided, single submitter. Criteria: Invitae Variant Classification Sherloc (09022015). Collection method: clinical testing. Allele origin: germline.
Comment: This sequence change replaces arginine, which is basic and polar, with glutamine, which is neutral and polar, at codon 1824 of the NOTCH1 protein (p.Arg1824Gln). This variant is present in population databases (rs765309913, gnomAD 0.02%). This variant has not been reported in the literature in individuals affected with NOTCH1-related conditions. ClinVar contains an entry for this variant (Variation ID: 241149). An algorithm developed to predict the effect of missense changes on protein structure and function (PolyPhen-2) suggests that this variant is likely to be disruptive. In summary, the available evidence is currently insufficient to determine the role of this variant in disease. Therefore, it has been classified as a Variant of Uncertain Significance.